The following is an entry in ClinVar:

NM_000478.6(ALPL):c.1182dup (p.Ile395fs)

Gene: ALPL (alkaline phosphatase, biomineralization associated; plus strand). Cytogenetic location: 1p36.12.
Variant type: Duplication.
Coding change: c.1182dup on transcript NM_000478.6 (MANE Select); coding-DNA position 1182, one base duplicated (T; older notation c.1182dupT).
Protein change: p.Ile395fs; shifts the reading frame from isoleucine 395.
Molecular consequence: frameshift variant.
Genome position (GRCh38, 1-based): chr1:21,575,917, T duplicated. VCF-style (leftmost placement, unchanged base first): chr1-21575916-C-CT. GRCh37 (hg19) VCF-style: chr1-21902409-C-CT.
Other names: c.1017dup, p.Ile340fs (NM_001127501.4); c.951dup, p.Ile318fs (NM_001177520.3); c.1182dup, p.Ile395fs (NM_001369803.2, NM_001369804.2, NM_001369805.2); c.1182dupT (NM_000478.5, NM_000478.6); short protein forms I318fs, I395fs, I340fs.
Identifiers: ClinVar variation 632629 (VCV000632629.16), dbSNP rs754826836, ClinGen allele CA666749.
Genomic context (GRCh38, chr1:21,575,916, plus strand): 5'-TGGTCACTGCGGACCATTCCCACGTCTTCACATTTGGTGGATACACCCCCCGTGGCAACT[C>CT]TATCTTTGGTAGGTGGGCCTTCTTTGGGGTGGACACTCCTGGGGTCTCCTGTCTACCCAC-3'

ClinVar aggregate classification (germline): Pathogenic/Likely pathogenic. Review status: criteria provided, multiple submitters, no conflicts (2 of 4 stars). 7 submissions from 7 submitters: Pathogenic (2); Likely pathogenic (5). Last evaluated 2026-05-12.

Conditions:
Adult hypophosphatasia. Identifiers: Orphanet 247676, Orphanet 436, MedGen C0268413, MONDO:1010154, OMIM 146300, MONDO:0007798.
ALPL-related disorder. Also called: ALPL-related disorders; ALPL-related condition.
Hypophosphatasia. Also called: Phosphoethanol-aminuria. Identifiers: Orphanet 436, MedGen C0020630, MeSH D007014, MONDO:0018570.
Childhood hypophosphatasia. Identifiers: Orphanet 247667, Orphanet 436, MedGen C0220743, MONDO:1010168, OMIM 241510, MONDO:0009428.

Allele frequency attached by ClinVar (database versions not stated): gnomAD exomes below 0.00001; ExAC 0.00001; gnomAD 0.00001; TOPMed 0.00001.

Submissions (7):

PreventionGenetics, part of Exact Sciences
Classification: Likely pathogenic for ALPL-related condition. Last evaluated: 2026-05-12. Review status: criteria provided, single submitter. Criteria: ACMG Guidelines, 2015. Collection method: clinical testing. Allele origin: germline.
Comment: The ALPL c.1182dupT variant is predicted to result in a frameshift and premature protein termination (p.Ile395Tyrfs*10). To our knowledge, this variant has not been reported in the literature. This variant is reported in 0.0033% of alleles in individuals of South Asian descent in gnomAD. Frameshift variants in ALPL are expected to be pathogenic. This variant is interpreted as likely pathogenic.

Labcorp Genetics (formerly Invitae), Labcorp
Classification: Pathogenic. Last evaluated: 2025-12-01. Review status: criteria provided, single submitter. Criteria: Invitae Variant Classification Sherloc (09022015). Collection method: clinical testing. Allele origin: germline.
Comment: This sequence change creates a premature translational stop signal (p.Ile395Tyrfs*10) in the ALPL gene. It is expected to result in an absent or disrupted protein product. Loss-of-function variants in ALPL are known to be pathogenic (PMID: 3174660, 10679946, 32973344, 33814268). This variant is present in population databases (rs754826836, gnomAD 0.003%). This variant has not been reported in the literature in individuals affected with ALPL-related conditions. ClinVar contains an entry for this variant (Variation ID: 632629). For these reasons, this variant has been classified as Pathogenic.

Natera, Inc.
Classification: Likely pathogenic for Hypophosphatasia. Last evaluated: 2025-11-17. Review status: criteria provided, single submitter. Criteria: Natera Variant Classification Schema (03/2026). Collection method: clinical testing. Allele origin: germline.
Comment: The c.1182dup variant in ALPL is a frameshift variant predicted to shift the reading frame beginning at codon 395 and leads to a stop codon 10 codons downstream. This variant is expected to result in nonsense mediated decay, truncation, or a dysfunctional protein product. This variant is rare in the general population with a frequency below the threshold expected for the associated phenotype(s). Given the available evidence, this variant is classified as Likely Pathogenic.

Baylor Genetics
Classification: Likely pathogenic for Adult hypophosphatasia. Last evaluated: 2023-07-25. Review status: criteria provided, single submitter. Criteria: ACMG Guidelines, 2015. Collection method: clinical testing. Allele origin: unknown.

Johns Hopkins Genomics, Johns Hopkins University
Classification: Pathogenic for Childhood hypophosphatasia. Last evaluated: 2020-12-02. Review status: criteria provided, single submitter. Criteria: ACMG Guidelines, 2015. Collection method: clinical testing. Allele origin: germline.

Centre for Mendelian Genomics, University Medical Centre Ljubljana
Classification: Likely pathogenic for Adult hypophosphatasia. Last evaluated: 2019-09-05. Review status: criteria provided, single submitter. Criteria: ACMG Guidelines, 2015. Collection method: clinical testing. Allele origin: unknown. Affected: yes.
Comment: This variant was classified as: Likely pathogenic. The following ACMG criteria were applied in classifying this variant: PVS1,PM2,PP5.

Women's Health and Genetics/Laboratory Corporation of America, LabCorp
Classification: Likely pathogenic for Hypophosphatasia. Last evaluated: 2018-08-20. Review status: criteria provided, single submitter. Criteria: LabCorp Variant Classification Summary - May 2015. Collection method: clinical testing. Allele origin: germline.
Comment: Variant summary: ALPL c.1182dupT (p.Ile395TyrfsX10) results in a premature termination codon, predicted to cause a truncation of the encoded protein or absence of the protein due to nonsense mediated decay, which are commonly known mechanisms for disease. The variant allele was found at a frequency of 4.1e-06 in 246234 control chromosomes (gnomAD). To our knowledge, no occurrence of c.1182dupT in individuals affected with Hypophosphatasia and no experimental evidence demonstrating its impact on protein function have been reported. No clinical diagnostic laboratories have submitted clinical-significance assessments for this variant to ClinVar after 2014. Based on the evidence outlined above, the variant was classified as likely pathogenic.

Literature cited by the submitters: PubMed 3174660 (cited by Labcorp Genetics (formerly Invitae), Labcorp); PubMed 10679946 (cited by Labcorp Genetics (formerly Invitae), Labcorp); PubMed 32973344 (cited by Labcorp Genetics (formerly Invitae), Labcorp); PubMed 33814268 (cited by Labcorp Genetics (formerly Invitae), Labcorp).